The following is an entry in ClinVar:

NM_152564.5(VPS13B):c.4147T>C (p.Tyr1383His)

Gene: VPS13B (vacuolar protein sorting 13 homolog B; plus strand). Cytogenetic location: 8q22.2.
Variant type: single nucleotide variant.
Coding change: c.4147T>C on transcript NM_152564.5 (MANE Select); coding-DNA position 4147, T replaced by C.
Protein change: p.Tyr1383His; replaces tyrosine 1383 with histidine.
Molecular consequence: missense variant.
Genome position (GRCh38, 1-based): chr8:99,502,940, T>C. VCF-style: chr8-99502940-T-C. GRCh37 (hg19) VCF-style: chr8-100515168-T-C.
Other names: c.4147T>C, p.Tyr1383His (NM_017890.5); short protein forms Y1383H.
Identifiers: ClinVar variation 2115762 (VCV002115762.2), dbSNP rs2490459888, ClinGen allele CA371870127.

ClinVar aggregate classification (germline): Uncertain significance (1 of 4 stars; one submission).

Conditions:
Cohen syndrome (COH1). Also called: Cutis verticis gyrata, retinitis pigmentosa, and sensorineural deafness; PEPPER SYNDROME. Identifiers: Orphanet 193, MedGen C0265223, MONDO:0008999, OMIM 216550.

Allele frequency attached by ClinVar (database versions not stated): gnomAD exomes below 0.00001.
gnomAD v4.1: 1 of 1,601,126 alleles (0.000062%); highest among the groups gnomAD compares: Non-Finnish European, 0.000086%; no homozygotes.

Submission:

Labcorp Genetics (formerly Invitae), Labcorp
Classification: Uncertain significance for Cohen syndrome. Last evaluated: 2022-04-15. Review status: criteria provided, single submitter. Criteria: Invitae Variant Classification Sherloc (09022015). Collection method: clinical testing. Allele origin: germline.
Comment: In summary, the available evidence is currently insufficient to determine the role of this variant in disease. Therefore, it has been classified as a Variant of Uncertain Significance. This sequence change replaces tyrosine, which is neutral and polar, with histidine, which is basic and polar, at codon 1383 of the VPS13B protein (p.Tyr1383His). This variant is not present in population databases (gnomAD no frequency). This variant has not been reported in the literature in individuals affected with VPS13B-related conditions. Algorithms developed to predict the effect of missense changes on protein structure and function are either unavailable or do not agree on the potential impact of this missense change (SIFT: "Not Available"; PolyPhen-2: "Probably Damaging"; Align-GVGD: "Not Available").